The following is an entry in ClinVar:

ClinVar aggregate classification (germline): Uncertain significance (1 of 4 stars; one submission).

gnomAD v4.1: 1 of 1,613,404 alleles (0.000062%); highest among the groups gnomAD compares: Non-Finnish European, 0.000085%; no homozygotes.

Submission:

Labcorp Genetics (formerly Invitae), Labcorp
Classification: Uncertain significance. Last evaluated: 2024-02-01. Review status: criteria provided, single submitter. Criteria: Invitae Variant Classification Sherloc (09022015). Collection method: clinical testing. Allele origin: germline.
Comment: This sequence change replaces glutamine, which is neutral and polar, with lysine, which is basic and polar, at codon 79 of the RBFOX2 protein (p.Gln79Lys). This variant is not present in population databases (gnomAD no frequency). This variant has not been reported in the literature in individuals affected with RBFOX2-related conditions. An algorithm developed to predict the effect of missense changes on protein structure and function (PolyPhen-2) suggests that this variant is likely to be tolerated. In summary, the available evidence is currently insufficient to determine the role of this variant in disease. Therefore, it has been classified as a Variant of Uncertain Significance.

NM_001349999.2(RBFOX2):c.235C>A (p.Gln79Lys)

Gene: RBFOX2 (RNA binding fox-1 homolog 2; minus strand). Cytogenetic location: 22q12.3.
Variant type: single nucleotide variant.
Coding change: c.235C>A on transcript NM_001349999.2 (MANE Select); coding-DNA position 235, C replaced by A.
Protein change: p.Gln79Lys; replaces glutamine 79 with lysine.
Molecular consequence: missense variant.
Genome position (GRCh38, 1-based): chr22:35,938,849, G>T on the plus strand (C>A on the coding strand, the complement: RBFOX2 is on the minus strand). VCF-style: chr22-35938849-G-T. GRCh37 (hg19) VCF-style: chr22-36334897-G-T.
Other names: c.235C>A, p.Gln79Lys (NM_001082578.4, NM_001082579.3, NM_001394108.1 and 7 more transcripts); c.91C>A, p.Gln31Lys (NM_001349982.2, NM_001349989.2, NM_001349990.2 and 5 more transcripts); short protein forms Q31K, Q79K.
Identifiers: ClinVar variation 3636713 (VCV003636713.2).